The following is an entry in ClinVar:

ClinVar aggregate classification (germline): Uncertain significance (1 of 4 stars; one submission).

Conditions:
Primary ciliary dyskinesia. Also called: Ciliary dyskinesia. Identifiers: Orphanet 244, MedGen C0008780, MONDO:0016575, HP:0012265.

Submission:

Labcorp Genetics (formerly Invitae), Labcorp
Classification: Uncertain significance for Primary ciliary dyskinesia. Last evaluated: 2017-05-14. Review status: criteria provided, single submitter. Criteria: Invitae Variant Classification Sherloc (09022015). Collection method: clinical testing. Allele origin: germline.
Comment: This sequence change replaces alanine with serine at codon 123 of the DNAAF5 protein (p.Ala123Ser). The alanine residue is weakly conserved and there is a moderate physicochemical difference between alanine and serine. While this variant is not present in population databases, the frequency information is unreliable, as metrics indicate poor data quality at this position in the ExAC database. This variant has not been reported in the literature in individuals with a DNAAF5-related disease. Algorithms developed to predict the effect of missense changes on protein structure and function (SIFT, PolyPhen-2, Align-GVGD) all suggest that this variant is likely to be tolerated, but these predictions have not been confirmed by published functional studies. In summary, this variant is a novel missense change that is not predicted to affect protein function. There is no indication that it causes disease, but the available evidence is currently insufficient to prove that conclusively. Therefore, it has been classified as a Variant of Uncertain Significance.

NM_017802.4(DNAAF5):c.367G>T (p.Ala123Ser)

Genes: DNAAF5 (dynein axonemal assembly factor 5; plus strand), PRKAR1B (protein kinase cAMP-dependent type I regulatory subunit beta; minus strand). Cytogenetic location: 7p22.3.
Variant type: single nucleotide variant.
Coding change: c.367G>T on transcript NM_017802.4 (MANE Select); coding-DNA position 367, G replaced by T.
Protein change: p.Ala123Ser; replaces alanine 123 with serine.
Molecular consequence: missense variant. On other transcripts: non-coding transcript variant (1), intron variant (3).
Genome position (GRCh38, 1-based): chr7:727,087, G>T. VCF-style: chr7-727087-G-T. GRCh37 (hg19) VCF-style: chr7-766724-G-T.
Other names: c.-23+568C>A (NM_001164759.1); c.-23+503C>A (NM_001164758.2); c.-23+123C>A (NM_001164760.2); short protein forms A123S.
Identifiers: ClinVar variation 454866 (VCV000454866.9), dbSNP rs1554248797, ClinGen allele CA366530384.